The following is an entry in ClinVar:

NM_000286.3(PEX12):c.*781T>A

Gene: PEX12 (peroxisomal biogenesis factor 12; minus strand). Cytogenetic location: 17q12.
Variant type: single nucleotide variant.
Coding change: c.*781T>A on transcript NM_000286.3 (MANE Select); 781 bases downstream of the stop codon, T replaced by A.
Molecular consequence: 3 prime UTR variant.
Genome position (GRCh38, 1-based): chr17:35,575,001, A>T on the plus strand (T>A on the coding strand, the complement: PEX12 is on the minus strand). VCF-style: chr17-35575001-A-T. GRCh37 (hg19) VCF-style: chr17-33902020-A-T.
Identifiers: ClinVar variation 891988 (VCV000891988.4), dbSNP rs185900922, ClinGen allele CA290067624.

ClinVar aggregate classification (germline): Benign (1 of 4 stars; one submission).

Conditions:
Peroxisome biogenesis disorder 3A (Zellweger). Also called: PEROXISOMAL BIOGENESIS DISORDER 3A (ZELLWEGER); Peroxisome biogenesis disorder 3A. Identifiers: Orphanet 912, MedGen C3553929, MONDO:0013927, OMIM 614859.

Allele frequency attached by ClinVar (database versions not stated): gnomAD 0.00696 and 0.00728; 1000 Genomes Project 0.00759; TOPMed 0.00785; 1000 Genomes Project 30x 0.00796.

Submission:

Illumina Laboratory Services, Illumina
Classification: Benign for Peroxisome biogenesis disorder 3A (Zellweger). Last evaluated: 2018-01-12. Review status: criteria provided, single submitter. Criteria: ICSL Variant Classification Criteria 13 December 2019. Collection method: clinical testing. Allele origin: germline.
Comment: This variant was observed in the ICSL laboratory as part of a predisposition screen in an ostensibly healthy population. It had not been previously curated by ICSL or reported in the Human Gene Mutation Database (HGMD: prior to June 1st, 2018), and was therefore a candidate for classification through an automated scoring system. Utilizing variant allele frequency, disease prevalence and penetrance estimates, and inheritance mode, an automated score was calculated to assess if this variant is too frequent to cause the disease. Based on the score and internal cut-off values, a variant classified as benign is not then subjected to further curation. The score for this variant resulted in a classification of benign for this disease.